The following is an entry in ClinVar:

ClinVar aggregate classification (germline): Uncertain significance. Review status: criteria provided, multiple submitters, no conflicts (2 of 4 stars). 4 submissions from 4 submitters: Uncertain significance (4). Last evaluated 2025-03-21.

Conditions:
Hereditary cancer-predisposing syndrome. Also called: Hereditary neoplastic syndrome; Neoplastic Syndromes, Hereditary; Tumor predisposition; Hereditary Cancer Syndrome. Identifiers: Orphanet 140162, MedGen C0027672, MeSH D009386, MONDO:0015356.
Familial cancer of breast. Also called: BREAST CANCER, FAMILIAL; Hereditary breast cancer; hereditary breast carcinoma. Identifiers: Orphanet 227535, MedGen C0346153, MONDO:0016419, OMIM 114480. Disease mechanism: loss of function.

Allele frequency attached by ClinVar (database versions not stated): TOPMed below 0.00001; gnomAD 0.00001; gnomAD exomes 0.00002.
gnomAD v4.1: 30 of 1,613,982 alleles (0.0019%); highest among the groups gnomAD compares: Non-Finnish European, 0.0024%; no homozygotes.

Submissions (4):

Labcorp Genetics (formerly Invitae), Labcorp
Classification: Uncertain significance for Familial cancer of breast. Last evaluated: 2025-03-21. Review status: criteria provided, single submitter. Criteria: Invitae Variant Classification Sherloc (09022015). Collection method: clinical testing. Allele origin: germline.
Comment: This sequence change replaces lysine, which is basic and polar, with threonine, which is neutral and polar, at codon 415 of the BARD1 protein (p.Lys415Thr). This variant is not present in population databases (gnomAD no frequency). This variant has not been reported in the literature in individuals affected with BARD1-related conditions. ClinVar contains an entry for this variant (Variation ID: 246141). An algorithm developed to predict the effect of missense changes on protein structure and function (PolyPhen-2) suggests that this variant is likely to be disruptive. In summary, the available evidence is currently insufficient to determine the role of this variant in disease. Therefore, it has been classified as a Variant of Uncertain Significance.

Ambry Genetics
Classification: Uncertain significance for Hereditary cancer-predisposing syndrome. Last evaluated: 2024-06-25. Review status: criteria provided, single submitter. Criteria: Ambry Variant Classification Scheme 2023. Collection method: clinical testing. Allele origin: germline.
Comment: The p.K415T variant (also known as c.1244A>C), located in coding exon 4 of the BARD1 gene, results from an A to C substitution at nucleotide position 1244. The lysine at codon 415 is replaced by threonine, an amino acid with similar properties. This amino acid position is highly conserved in available vertebrate species. In addition, the in silico prediction for this alteration is inconclusive. Since supporting evidence is limited at this time, the clinical significance of this alteration remains unclear.

GeneDx
Classification: Uncertain significance. Last evaluated: 2024-01-04. Review status: criteria provided, single submitter. Criteria: GeneDx Variant Classification Process June 2021. Collection method: clinical testing. Allele origin: germline. Affected: yes.
Comment: Not observed at significant frequency in large population cohorts (gnomAD); In silico analysis supports that this missense variant does not alter protein structure/function; Has not been previously published as pathogenic or benign to our knowledge

Color Diagnostics, LLC DBA Color Health
Classification: Uncertain significance for Hereditary cancer-predisposing syndrome. Last evaluated: 2023-12-05. Review status: criteria provided, single submitter. Criteria: ACMG Guidelines, 2015. Collection method: clinical testing. Allele origin: germline.
Comment: This missense variant replaces lysine with threonine at codon 415 of the BARD1 protein. Computational prediction suggests that this variant may not impact protein structure and function (internally defined REVEL score threshold <= 0.5, PMID: 27666373). To our knowledge, functional studies have not been reported for this variant. This variant has not been reported in individuals affected with BARD1-related disorders in the literature. This variant has not been identified in the general population by the Genome Aggregation Database (gnomAD). The available evidence is insufficient to determine the role of this variant in disease conclusively. Therefore, this variant is classified as a Variant of Uncertain Significance.

NM_000465.4(BARD1):c.1244A>C (p.Lys415Thr)

Gene: BARD1 (BRCA1 associated RING domain 1; minus strand). Cytogenetic location: 2q35.
Variant type: single nucleotide variant.
Coding change: c.1244A>C on transcript NM_000465.4 (MANE Select); coding-DNA position 1244, A replaced by C.
Protein change: p.Lys415Thr; replaces lysine 415 with threonine.
Molecular consequence: missense variant. On other transcripts: non-coding transcript variant (2), intron variant (3).
Genome position (GRCh38, 1-based): chr2:214,780,630, T>G on the plus strand (A>C on the coding strand, the complement: BARD1 is on the minus strand). VCF-style: chr2-214780630-T-G. GRCh37 (hg19) VCF-style: chr2-215645354-T-G.
Other names: c.1187A>C, p.Lys396Thr (NM_001282543.2); c.159-28075A>C (NM_001282548.2); c.215+16431A>C (NM_001282545.2); c.364+11667A>C (NM_001282549.2); short protein forms K415T, K396T.
Identifiers: ClinVar variation 246141 (VCV000246141.21), dbSNP rs879254118, ClinGen allele CA10584179.